The following is an entry in ClinVar:

ClinVar aggregate classification (germline): Pathogenic. Review status: criteria provided, multiple submitters, no conflicts (2 of 4 stars). 3 submissions from 3 submitters: Pathogenic (3). Last evaluated 2024-10-29.

Conditions:
Hereditary hyperinsulinism.

Submissions (3):

Natera, Inc.
Classification: Pathogenic for Hereditary hyperinsulinism. Last evaluated: 2024-10-29. Review status: criteria provided, single submitter. Criteria: Natera Variant Classification Schema (03/2026). Collection method: clinical testing. Allele origin: germline.
Comment: The c.1473T>G variant in ABCC8 is a nonsense variant predicted to introduce a stop codon at amino acid 491. This variant is expected to result in nonsense mediated decay, truncation, or a dysfunctional protein product. This variant is rare in the general population with a frequency below the threshold expected for the associated phenotype(s). This variant has been observed in one or more individuals affected with the associated recessive disease, as either homozygous or compound heterozygous with a second variant (PMID: 24434300). Given the available evidence, this variant is classified as Pathogenic.

Revvity Omics, Revvity
Classification: Pathogenic. Last evaluated: 2024-08-07. Review status: criteria provided, single submitter. Criteria: ACMG Guidelines, 2015. Collection method: clinical testing. Allele origin: germline.

Labcorp Genetics (formerly Invitae), Labcorp
Classification: Pathogenic. Last evaluated: 2023-08-02. Review status: criteria provided, single submitter. Criteria: Invitae Variant Classification Sherloc (09022015). Collection method: clinical testing. Allele origin: germline.
Comment: This sequence change creates a premature translational stop signal (p.Tyr491*) in the ABCC8 gene. It is expected to result in an absent or disrupted protein product. Loss-of-function variants in ABCC8 are known to be pathogenic (PMID: 20685672, 23345197). This variant is not present in population databases (gnomAD no frequency). This premature translational stop signal has been observed in individual(s) with autosomal recessive diffuse or focal hyperinsulinism (PMID: 23275527, 24434300). For these reasons, this variant has been classified as Pathogenic.

Literature cited by the submitters: PubMed 24434300 (cited by Natera, Inc. and Labcorp Genetics (formerly Invitae), Labcorp); PubMed 20685672 (cited by Labcorp Genetics (formerly Invitae), Labcorp); PubMed 23345197 (cited by Labcorp Genetics (formerly Invitae), Labcorp); PubMed 23275527 (cited by Labcorp Genetics (formerly Invitae), Labcorp).

NM_000352.6(ABCC8):c.1473T>G (p.Tyr491Ter)

Gene: ABCC8 (ATP binding cassette subfamily C member 8; minus strand). Cytogenetic location: 11p15.1.
Variant type: single nucleotide variant.
Coding change: c.1473T>G on transcript NM_000352.6 (MANE Select); coding-DNA position 1473, T replaced by G.
Protein change: p.Tyr491Ter; replaces tyrosine 491 with a stop codon.
Molecular consequence: nonsense. On other transcripts: non-coding transcript variant (1).
Genome position (GRCh38, 1-based): chr11:17,442,877, A>C on the plus strand (T>G on the coding strand, the complement: ABCC8 is on the minus strand). VCF-style: chr11-17442877-A-C. GRCh37 (hg19) VCF-style: chr11-17464424-A-C.
Other names: c.1473T>G, p.Tyr491Ter (NM_001287174.3, NM_001351295.2); c.1470T>G, p.Tyr490Ter (NM_001351296.2, NM_001351297.2); c.1473T>G (NM_000352.5, NM_000352.4); short protein forms Y491*, Y490*.
Identifiers: ClinVar variation 2735552 (VCV002735552.5), dbSNP rs2496752969, ClinGen allele CA379766740.
Genomic context (GRCh38, chr11:17,442,877, plus strand): 5'-CAGCTTCAGCAGCTTGATGCCGCGGAGCATCTCGTTGGTCTGCTTCAGCCGCTCATTGGA[A>C]TACTCCTGCAGGGGTCCCCGAGTCAGAGGGGAGAGGCTTCTGCTCCGTCTCCCACCCGAG-3'